The following is an entry in ClinVar:

ClinVar aggregate classification (germline): Conflicting classifications of pathogenicity. Review status: criteria provided, conflicting classifications (1 of 4 stars). 2 submissions from 2 submitters: Uncertain significance (1); Likely benign (1). Last evaluated 2025-04-07.

Conditions:
Inborn genetic diseases. Identifiers: MedGen C0950123, MeSH D030342.

gnomAD v4.1: 4 of 1,613,650 alleles (0.00025%); highest among the groups gnomAD compares: East Asian, 0.0022%; no homozygotes.

Submissions (2):

Ambry Genetics
Classification: Likely benign for Inborn genetic diseases. Last evaluated: 2025-04-07. Review status: criteria provided, single submitter. Criteria: Ambry Variant Classification Scheme 2023. Collection method: clinical testing. Allele origin: germline.

Labcorp Genetics (formerly Invitae), Labcorp
Classification: Uncertain significance. Last evaluated: 2024-03-16. Review status: criteria provided, single submitter. Criteria: Invitae Variant Classification Sherloc (09022015). Collection method: clinical testing. Allele origin: germline.
Comment: This sequence change replaces arginine, which is basic and polar, with tryptophan, which is neutral and slightly polar, at codon 1591 of the RAI1 protein (p.Arg1591Trp). This variant is present in population databases (rs755030247, gnomAD 0.004%). This variant has not been reported in the literature in individuals affected with RAI1-related conditions. Advanced modeling of protein sequence and biophysical properties (such as structural, functional, and spatial information, amino acid conservation, physicochemical variation, residue mobility, and thermodynamic stability) performed at Invitae indicates that this missense variant is expected to disrupt RAI1 protein function with a positive predictive value of 80%. In summary, the available evidence is currently insufficient to determine the role of this variant in disease. Therefore, it has been classified as a Variant of Uncertain Significance.

NM_030665.4(RAI1):c.4771C>T (p.Arg1591Trp)

Gene: RAI1 (retinoic acid induced 1; plus strand). Cytogenetic location: 17p11.2.
Variant type: single nucleotide variant.
Coding change: c.4771C>T on transcript NM_030665.4 (MANE Select); coding-DNA position 4771, C replaced by T.
Protein change: p.Arg1591Trp; replaces arginine 1591 with tryptophan.
Molecular consequence: missense variant.
Genome position (GRCh38, 1-based): chr17:17,797,719, C>T. VCF-style: chr17-17797719-C-T. GRCh37 (hg19) VCF-style: chr17-17701033-C-T.
Other names: c.4771C>T (NM_030665.3); short protein forms R1591W.
Identifiers: ClinVar variation 3628480 (VCV003628480.3).